The following is an entry in ClinVar:

NM_000428.3(LTBP2):c.3283G>A (p.Asp1095Asn)

Gene: LTBP2 (latent transforming growth factor beta binding protein 2; minus strand). Cytogenetic location: 14q24.3.
Variant type: single nucleotide variant.
Coding change: c.3283G>A on transcript NM_000428.3 (MANE Select); coding-DNA position 3283, G replaced by A.
Protein change: p.Asp1095Asn; replaces aspartic acid 1095 with asparagine.
Molecular consequence: missense variant.
Genome position (GRCh38, 1-based): chr14:74,509,358, C>T on the plus strand (G>A on the coding strand, the complement: LTBP2 is on the minus strand). VCF-style: chr14-74509358-C-T. GRCh37 (hg19) VCF-style: chr14-74976061-C-T.
Other names: short protein forms D1095N.
Identifiers: ClinVar variation 2122644 (VCV002122644.4), dbSNP rs2506137341, ClinGen allele CA390389366.

ClinVar aggregate classification (germline): Uncertain significance (1 of 4 stars; one submission).

Submission:

Labcorp Genetics (formerly Invitae), Labcorp
Classification: Uncertain significance. Last evaluated: 2026-02-02. Review status: criteria provided, single submitter. Criteria: Invitae Variant Classification Sherloc (09022015). Collection method: clinical testing. Allele origin: germline.
Comment: This sequence change replaces aspartic acid, which is acidic and polar, with asparagine, which is neutral and polar, at codon 1095 of the LTBP2 protein (p.Asp1095Asn). This variant is not present in population databases (gnomAD no frequency). This variant has not been reported in the literature in individuals affected with LTBP2-related conditions. ClinVar contains an entry for this variant (Variation ID: 2122644). An algorithm developed to predict the effect of missense changes on protein structure and function (PolyPhen-2) suggests that this variant is likely to be disruptive. In summary, the available evidence is currently insufficient to determine the role of this variant in disease. Therefore, it has been classified as a Variant of Uncertain Significance.